The following is an entry in ClinVar:

ClinVar aggregate classification (germline): Conflicting classifications of pathogenicity. Review status: criteria provided, conflicting classifications (1 of 4 stars). 3 submissions from 3 submitters: Uncertain significance (2); Likely benign (1). Last evaluated 2025-04-04.

Conditions:
Pigmentary pallidal degeneration (NBIA1). Also called: Neurodegeneration with brain iron accumulation 1; PKAN NEUROAXONAL DYSTROPHY, JUVENILE-ONSET; HARP SYNDROME; Pantothenate Kinase-Associated Neurodegeneration; Neuroaxonal dystrophy, late infantile; Hallervorden-Spatz disease. Identifiers: Orphanet 157850, MedGen C0018523, MONDO:0009319, OMIM 234200.
Inborn genetic diseases. Identifiers: MedGen C0950123, MeSH D030342.

Allele frequency attached by ClinVar (database versions not stated): TOPMed 0.00001; gnomAD 0.00003 and 0.00002; gnomAD exomes 0.00002.
gnomAD v4.1: 29 of 1,608,214 alleles (0.0018%); highest among the groups gnomAD compares: Non-Finnish European, 0.0024%; no homozygotes.

Submissions (3):

Ambry Genetics
Classification: Likely benign for Inborn genetic diseases. Last evaluated: 2025-04-04. Review status: criteria provided, single submitter. Criteria: Ambry Variant Classification Scheme 2023. Collection method: clinical testing. Allele origin: germline.

Mayo Clinic Laboratories, Mayo Clinic
Classification: Uncertain significance. Last evaluated: 2023-07-12. Review status: criteria provided, single submitter. Criteria: ACMG Guidelines, 2015. Collection method: clinical testing. Allele origin: germline. Observed: 1 variant allele.
Comment: BP4, PM2_moderate

Labcorp Genetics (formerly Invitae), Labcorp
Classification: Uncertain significance for Pigmentary pallidal degeneration. Last evaluated: 2022-06-27. Review status: criteria provided, single submitter. Criteria: Invitae Variant Classification Sherloc (09022015). Collection method: clinical testing. Allele origin: germline.
Comment: This sequence change replaces proline, which is neutral and non-polar, with serine, which is neutral and polar, at codon 63 of the PANK2 protein (p.Pro63Ser). This variant is not present in population databases (gnomAD no frequency). This variant has not been reported in the literature in individuals affected with PANK2-related conditions. Algorithms developed to predict the effect of missense changes on protein structure and function output the following: SIFT: "Tolerated"; PolyPhen-2: "Benign"; Align-GVGD: "Class C0". The serine amino acid residue is found in multiple mammalian species, which suggests that this missense change does not adversely affect protein function. In summary, the available evidence is currently insufficient to determine the role of this variant in disease. Therefore, it has been classified as a Variant of Uncertain Significance.

NM_153638.4(PANK2):c.187C>T (p.Pro63Ser)

Genes: PANK2 (pantothenate kinase 2; plus strand), LOC130065345 (ATAC-STARR-seq lymphoblastoid silent region 12635; plus strand). Cytogenetic location: 20p13.
Variant type: single nucleotide variant.
Coding change: c.187C>T on transcript NM_153638.4; coding-DNA position 187, C replaced by T.
Protein change: p.Pro63Ser; replaces proline 63 with serine.
Molecular consequence: missense variant. On other transcripts: intron variant (1).
Genome position (GRCh38, 1-based): chr20:3,889,287, C>T. VCF-style: chr20-3889287-C-T. GRCh37 (hg19) VCF-style: chr20-3869934-C-T.
Other names: p.Pro63Ser; c.187C>T, p.Pro63Ser (NM_001324192.1); c.-246+383C>T (NM_024960.6); short protein forms P63S.
Identifiers: ClinVar variation 1401101 (VCV001401101.8), dbSNP rs1452787032, ClinGen allele CA408139511.